The following is an entry in ClinVar:

NM_001458.5(FLNC):c.1586G>T (p.Gly529Val)

Gene: FLNC (filamin C; plus strand). Cytogenetic location: 7q32.1.
Variant type: single nucleotide variant.
Coding change: c.1586G>T on transcript NM_001458.5 (MANE Select); coding-DNA position 1586, G replaced by T.
Protein change: p.Gly529Val; replaces glycine 529 with valine.
Molecular consequence: missense variant.
Genome position (GRCh38, 1-based): chr7:128,840,584, G>T. VCF-style: chr7-128840584-G-T. GRCh37 (hg19) VCF-style: chr7-128480638-G-T.
Other names: c.1586G>T, p.Gly529Val (NM_001127487.2); short protein forms G529V.
Identifiers: ClinVar variation 1429050 (VCV001429050.6), dbSNP rs2128935018, ClinGen allele CA369226535.

ClinVar aggregate classification (germline): Uncertain significance (1 of 4 stars; one submission).

Conditions:
Myofibrillar myopathy 5. Also called: FILAMINOPATHY, AUTOSOMAL DOMINANT; Filaminopathy (type). Identifiers: Orphanet 171445, MedGen C1836050, MONDO:0012289, OMIM 609524.
Distal myopathy with posterior leg and anterior hand involvement. Also called: WILLIAMS DISTAL MYOPATHY. Identifiers: Orphanet 63273, MedGen C3279722, MONDO:0013550, OMIM 614065.
Hypertrophic cardiomyopathy 26. Also called: Cardiomyopathy, familial hypertrophic, 26. Identifiers: Orphanet 75249, MedGen C4310749, MONDO:0014883, OMIM 617047.
Dilated Cardiomyopathy, Dominant.

Submission:

Labcorp Genetics (formerly Invitae), Labcorp
Classification: Uncertain significance for Distal myopathy with posterior leg and anterior hand involvement; Myofibrillar myopathy 5; Hypertrophic cardiomyopathy 26. Last evaluated: 2021-08-03. Review status: criteria provided, single submitter. Criteria: Invitae Variant Classification Sherloc (09022015). Collection method: clinical testing. Allele origin: germline.
Comment: In summary, the available evidence is currently insufficient to determine the role of this variant in disease. Therefore, it has been classified as a Variant of Uncertain Significance. Algorithms developed to predict the effect of missense changes on protein structure and function are either unavailable or do not agree on the potential impact of this missense change (SIFT: "Deleterious"; PolyPhen-2: "Possibly Damaging"; Align-GVGD: "Class C0"). This variant has not been reported in the literature in individuals with FLNC-related conditions. This variant is not present in population databases (ExAC no frequency). This sequence change replaces glycine with valine at codon 529 of the FLNC protein (p.Gly529Val). The glycine residue is moderately conserved and there is a moderate physicochemical difference between glycine and valine.